The following is an entry in ClinVar:

ClinVar aggregate classification (germline): Uncertain significance. Review status: criteria provided, multiple submitters, no conflicts (2 of 4 stars). 2 submissions from 2 submitters: Uncertain significance (2). Last evaluated 2023-10-17.

Conditions:
Hereditary cancer-predisposing syndrome. Also called: Hereditary neoplastic syndrome; Neoplastic Syndromes, Hereditary; Hereditary Cancer Syndrome; Tumor predisposition. Identifiers: Orphanet 140162, MedGen C0027672, MeSH D009386, MONDO:0015356.

Allele frequency attached by ClinVar (database versions not stated): gnomAD exomes below 0.00001; TOPMed below 0.00001.

Submissions (2):

Ambry Genetics
Classification: Uncertain significance for Hereditary cancer-predisposing syndrome. Last evaluated: 2023-10-17. Review status: criteria provided, single submitter. Criteria: Ambry Variant Classification Scheme 2023. Collection method: clinical testing. Allele origin: germline.
Comment: The p.N191D variant (also known as c.571A>G), located in coding exon 3 of the MSH3 gene, results from an A to G substitution at nucleotide position 571. The asparagine at codon 191 is replaced by aspartic acid, an amino acid with highly similar properties. This amino acid position is poorly conserved in available vertebrate species. In addition, this alteration is predicted to be tolerated by in silico analysis. Since supporting evidence is limited at this time, the clinical significance of this alteration remains unclear.

Labcorp Genetics (formerly Invitae), Labcorp
Classification: Uncertain significance. Last evaluated: 2022-03-08. Review status: criteria provided, single submitter. Criteria: Invitae Variant Classification Sherloc (09022015). Collection method: clinical testing. Allele origin: germline.
Comment: In summary, the available evidence is currently insufficient to determine the role of this variant in disease. Therefore, it has been classified as a Variant of Uncertain Significance. Algorithms developed to predict the effect of missense changes on protein structure and function output the following: SIFT: "Tolerated"; PolyPhen-2: "Benign"; Align-GVGD: "Class C0". The aspartic acid amino acid residue is found in multiple mammalian species, which suggests that this missense change does not adversely affect protein function. This variant has not been reported in the literature in individuals affected with MSH3-related conditions. This variant is present in population databases (no rsID available, gnomAD 0.007%). This sequence change replaces asparagine, which is neutral and polar, with aspartic acid, which is acidic and polar, at codon 191 of the MSH3 protein (p.Asn191Asp).

NM_002439.5(MSH3):c.571A>G (p.Asn191Asp)

Gene: MSH3 (mutS homolog 3; plus strand). Cytogenetic location: 5q14.1.
Variant type: single nucleotide variant.
Coding change: c.571A>G on transcript NM_002439.5 (MANE Select); coding-DNA position 571, A replaced by G.
Protein change: p.Asn191Asp; replaces asparagine 191 with aspartic acid.
Molecular consequence: missense variant.
Genome position (GRCh38, 1-based): chr5:80,665,355, A>G. VCF-style: chr5-80665355-A-G. GRCh37 (hg19) VCF-style: chr5-79961174-A-G.
Other names: short protein forms N191D.
Identifiers: ClinVar variation 1488804 (VCV001488804.10), dbSNP rs888626337, ClinGen allele CA121291053.
Genomic context (GRCh38, chr5:80,665,355, plus strand): 5'-GATATCAGTCTTCTACACGCAAAGAATGCAGTTTCTTCTGAAGATTCGAAACGTCAAATT[A>G]ATCAAAAGGTATGTAACTGCTATAGATGAGTATCCAGTTACCTAGAATAGTGGGTTCTGA-3'
Protein context (NP_002430.3, residues 181-201): VSSEDSKRQI[Asn191Asp]QKDTTLFDLS